The following is an entry in ClinVar:

ClinVar aggregate classification (germline): Uncertain significance (1 of 4 stars; one submission).

Conditions:
KMT2D-related disorder. Also called: KMT2D-Related Disorders.

Submission:

PreventionGenetics, part of Exact Sciences
Classification: Uncertain significance for KMT2D-related condition. Last evaluated: 2022-08-21. Review status: criteria provided, single submitter. Criteria: ACMG Guidelines, 2015. Collection method: clinical testing. Allele origin: germline.
Comment: The KMT2D c.11012C>G variant is predicted to result in the amino acid substitution p.Pro3671Arg. To our knowledge, this variant has not been reported in the literature. This variant is reported in 0.00089% of alleles in individuals of European (Non-Finnish) descent in gnomAD. At this time, the clinical significance of this variant is uncertain due to the absence of conclusive functional and genetic evidence.

NM_003482.4(KMT2D):c.11012C>G (p.Pro3671Arg)

Gene: KMT2D (lysine methyltransferase 2D; minus strand). Cytogenetic location: 12q13.12.
Variant type: single nucleotide variant.
Coding change: c.11012C>G on transcript NM_003482.4 (MANE Select); coding-DNA position 11012, C replaced by G.
Protein change: p.Pro3671Arg; replaces proline 3671 with arginine.
Molecular consequence: missense variant.
Genome position (GRCh38, 1-based): chr12:49,033,693, G>C on the plus strand (C>G on the coding strand, the complement: KMT2D is on the minus strand). VCF-style: chr12-49033693-G-C. GRCh37 (hg19) VCF-style: chr12-49427476-G-C.
Other names: short protein forms P3671R.
Identifiers: ClinVar variation 2636196 (VCV002636196.1), dbSNP rs1366251950, ClinGen allele CA384724274.